The following is an entry in ClinVar:

NM_000548.5(TSC2):c.178A>T (p.Met60Leu)

Gene: TSC2 (TSC complex subunit 2; plus strand). Cytogenetic location: 16p13.3.
Variant type: single nucleotide variant.
Coding change: c.178A>T on transcript NM_000548.5 (MANE Select); coding-DNA position 178, A replaced by T.
Protein change: p.Met60Leu; replaces methionine 60 with leucine.
Molecular consequence: missense variant. On other transcripts: 5 prime UTR variant (1).
Genome position (GRCh38, 1-based): chr16:2,050,439, A>T. VCF-style: chr16-2050439-A-T. GRCh37 (hg19) VCF-style: chr16-2100440-A-T.
Other names: c.178A>T, p.Met60Leu (NM_001077183.3, NM_001114382.3, NM_001318827.2 and 4 more transcripts); c.31A>T, p.Met11Leu (NM_001318829.2); c.-49A>T (NM_001318831.2); c.211A>T, p.Met71Leu (NM_001318832.2); short protein forms M11L, M71L, M60L.
Identifiers: ClinVar variation 1507492 (VCV001507492.11), dbSNP rs1053960780, ClinGen allele CA394303309.

ClinVar aggregate classification (germline): Uncertain significance. Review status: criteria provided, multiple submitters, no conflicts (2 of 4 stars). 2 submissions from 2 submitters: Uncertain significance (2). Last evaluated 2025-06-29.

Conditions:
Hereditary cancer-predisposing syndrome. Also called: Neoplastic Syndromes, Hereditary; Hereditary Cancer Syndrome; Tumor predisposition; Hereditary neoplastic syndrome. Identifiers: Orphanet 140162, MedGen C0027672, MeSH D009386, MONDO:0015356.
Tuberous sclerosis 2 (TSC2). Identifiers: Orphanet 805, MedGen C1860707, MONDO:0013199, OMIM 613254.

Submissions (2):

Labcorp Genetics (formerly Invitae), Labcorp
Classification: Uncertain significance for Tuberous sclerosis 2. Last evaluated: 2025-06-29. Review status: criteria provided, single submitter. Criteria: Invitae Variant Classification Sherloc (09022015). Collection method: clinical testing. Allele origin: germline.
Comment: This sequence change replaces methionine, which is neutral and non-polar, with leucine, which is neutral and non-polar, at codon 60 of the TSC2 protein (p.Met60Leu). This variant is not present in population databases (gnomAD no frequency). This variant has not been reported in the literature in individuals affected with TSC2-related conditions. ClinVar contains an entry for this variant (Variation ID: 1507492). Invitae Evidence Modeling of protein sequence and biophysical properties (such as structural, functional, and spatial information, amino acid conservation, physicochemical variation, residue mobility, and thermodynamic stability) indicates that this missense variant is not expected to disrupt TSC2 protein function with a negative predictive value of 95%. In summary, the available evidence is currently insufficient to determine the role of this variant in disease. Therefore, it has been classified as a Variant of Uncertain Significance.

Ambry Genetics
Classification: Uncertain significance for Hereditary cancer-predisposing syndrome. Last evaluated: 2024-06-04. Review status: criteria provided, single submitter. Criteria: Ambry Variant Classification Scheme 2023. Collection method: clinical testing. Allele origin: germline.
Comment: The p.M60L variant (also known as c.178A>T), located in coding exon 2 of the TSC2 gene, results from an A to T substitution at nucleotide position 178. The methionine at codon 60 is replaced by leucine, an amino acid with highly similar properties. This amino acid position is poorly conserved in available vertebrate species. In addition, this alteration is predicted to be tolerated by in silico analysis. Based on the available evidence, the clinical significance of this variant remains unclear.